The following is an entry in ClinVar:

NM_182641.4(BPTF):c.8034A>G (p.Pro2678=)

Gene: BPTF (bromodomain PHD finger transcription factor; plus strand). Cytogenetic location: 17q24.2.
Variant type: single nucleotide variant.
Coding change: c.8034A>G on transcript NM_182641.4 (MANE Select); coding-DNA position 8034, A replaced by G.
Protein change: p.Pro2678=; no amino-acid change (proline 2678 retained).
Molecular consequence: synonymous variant.
Genome position (GRCh38, 1-based): chr17:67,959,648, A>G. VCF-style: chr17-67959648-A-G. GRCh37 (hg19) VCF-style: chr17-65955764-A-G.
Other names: c.7983A>G, p.Pro2661= (NM_004459.7); c.8034A>G (NM_182641.3).
Identifiers: ClinVar variation 2041490 (VCV002041490.6), dbSNP rs782130471, ClinGen allele CA8726495.

ClinVar aggregate classification (germline): Likely benign. Review status: criteria provided, single submitter (1 of 4 stars). 2 submissions from 2 submitters: Likely benign (1). 1 of the submissions does not count toward it. Last evaluated 2025-12-23.

Conditions:
BPTF-related disorder. Also called: BPTF-related condition.

Allele frequency attached by ClinVar (database versions not stated): ExAC 0.00002; gnomAD 0.00005; TOPMed 0.00005.
gnomAD v4.1: 104 of 1,598,294 alleles (0.0065%); highest among the groups gnomAD compares: Non-Finnish European, 0.0084%; no homozygotes.

Submissions (2):

Labcorp Genetics (formerly Invitae), Labcorp
Classification: Likely benign. Last evaluated: 2025-12-23. Review status: criteria provided, single submitter. Criteria: Invitae Variant Classification Sherloc (09022015). Collection method: clinical testing. Allele origin: germline.

PreventionGenetics, part of Exact Sciences
Classification: Likely benign for BPTF-related condition. Last evaluated: 2020-09-23. Review status: no assertion criteria provided. Collection method: clinical testing. Allele origin: germline. Not counted in ClinVar's aggregate classification.
Comment: This variant is classified as likely benign based on ACMG/AMP sequence variant interpretation guidelines (Richards et al. 2015 PMID: 25741868, with internal and published modifications).